The following is an entry in ClinVar:

NM_003055.3(SLC18A3):c.866C>A (p.Pro289His)

Genes: CHAT (choline O-acetyltransferase; plus strand), SLC18A3 (solute carrier family 18 member A3; plus strand). Cytogenetic location: 10q11.23.
Variant type: single nucleotide variant.
Coding change: c.866C>A on transcript NM_003055.3 (MANE Select); coding-DNA position 866, C replaced by A.
Protein change: p.Pro289His; replaces proline 289 with histidine.
Molecular consequence: missense variant. On other transcripts: intron variant (1).
Genome position (GRCh38, 1-based): chr10:49,611,606, C>A. VCF-style: chr10-49611606-C-A. GRCh37 (hg19) VCF-style: chr10-50819652-C-A.
Other names: c.-69+2407C>A (NM_020984.4); short protein forms P289H.
Identifiers: ClinVar variation 1351656 (VCV001351656.6), dbSNP rs2132687513, ClinGen allele CA376721065.
Genomic context (GRCh38, chr10:49,611,606, plus strand): 5'-CTGCACGGGCTCGGGCCAACCTGCCAGTGGGCACTCCCATCCACCGCCTCATGCTAGACC[C>A]CTACATTGCCGTGGTGGCCGGCGCGCTCACCACCTGTAACATTCCCCTCGCCTTCCTCGA-3'
Protein context (NP_003046.2, residues 279-299): GTPIHRLMLD[Pro289His]YIAVVAGALT

ClinVar aggregate classification (germline): Uncertain significance (1 of 4 stars; one submission).

Submission:

Labcorp Genetics (formerly Invitae), Labcorp
Classification: Uncertain significance. Last evaluated: 2021-08-07. Review status: criteria provided, single submitter. Criteria: Invitae Variant Classification Sherloc (09022015). Collection method: clinical testing. Allele origin: germline.
Comment: In summary, the available evidence is currently insufficient to determine the role of this variant in disease. Therefore, it has been classified as a Variant of Uncertain Significance. Algorithms developed to predict the effect of missense changes on protein structure and function (SIFT, PolyPhen-2, Align-GVGD) all suggest that this variant is likely to be disruptive. This variant has not been reported in the literature in individuals affected with SLC18A3-related conditions. This variant is not present in population databases (ExAC no frequency). This sequence change replaces proline with histidine at codon 289 of the SLC18A3 protein (p.Pro289His). The proline residue is highly conserved and there is a moderate physicochemical difference between proline and histidine.